The following is an entry in ClinVar:

ClinVar aggregate classification (germline): Uncertain significance (1 of 4 stars; one submission).

Conditions:
Seizures, benign familial infantile, 3 (BFIS3). Also called: CONVULSIONS, BENIGN FAMILIAL INFANTILE, 3; Familial neonatal seizures. Identifiers: Orphanet 140927, Orphanet 306, MedGen C1843140, MONDO:0011904, OMIM 607745.
Developmental and epileptic encephalopathy, 11 (DEE11). Also called: Early infantile epileptic encephalopathy 11. Identifiers: Orphanet 1934, MedGen C3150987, MONDO:0013388, OMIM 613721.

Submission:

Labcorp Genetics (formerly Invitae), Labcorp
Classification: Uncertain significance for Seizures, benign familial infantile, 3; Developmental and epileptic encephalopathy, 11. Last evaluated: 2025-02-24. Review status: criteria provided, single submitter. Criteria: Invitae Variant Classification Sherloc (09022015). Collection method: clinical testing. Allele origin: germline.
Comment: This sequence change replaces tyrosine, which is neutral and polar, with histidine, which is basic and polar, at codon 688 of the SCN2A protein (p.Tyr688His). This variant is not present in population databases (gnomAD no frequency). This variant has not been reported in the literature in individuals affected with SCN2A-related conditions. ClinVar contains an entry for this variant (Variation ID: 2940564). Invitae Evidence Modeling of protein sequence and biophysical properties (such as structural, functional, and spatial information, amino acid conservation, physicochemical variation, residue mobility, and thermodynamic stability) indicates that this missense variant is not expected to disrupt SCN2A protein function with a negative predictive value of 95%. In summary, the available evidence is currently insufficient to determine the role of this variant in disease. Therefore, it has been classified as a Variant of Uncertain Significance.

NM_001040142.2(SCN2A):c.2062T>C (p.Tyr688His)

Gene: SCN2A (sodium voltage-gated channel alpha subunit 2; plus strand). Cytogenetic location: 2q24.3.
Variant type: single nucleotide variant.
Coding change: c.2062T>C on transcript NM_001040142.2 (MANE Select); coding-DNA position 2062, T replaced by C.
Protein change: p.Tyr688His; replaces tyrosine 688 with histidine.
Molecular consequence: missense variant.
Genome position (GRCh38, 1-based): chr2:165,326,897, T>C. VCF-style: chr2-165326897-T-C. GRCh37 (hg19) VCF-style: chr2-166183407-T-C.
Other names: c.2062T>C, p.Tyr688His (NM_001040143.2, NM_001371246.1, NM_001371247.1 and 1 more transcripts); short protein forms Y688H.
Identifiers: ClinVar variation 2940564 (VCV002940564.3), dbSNP rs2467946417, ClinGen allele CA349029259.